The following is an entry in ClinVar:

ClinVar aggregate classification (germline): Uncertain significance (1 of 4 stars; one submission).

Allele frequency attached by ClinVar (database versions not stated): gnomAD exomes below 0.00001; TOPMed below 0.00001; ExAC 0.00001.
gnomAD v4.1: 6 of 1,612,494 alleles (0.00037%); highest among the groups gnomAD compares: Middle Eastern, 0.017%; no homozygotes.

Submission:

Labcorp Genetics (formerly Invitae), Labcorp
Classification: Uncertain significance. Last evaluated: 2022-04-18. Review status: criteria provided, single submitter. Criteria: Invitae Variant Classification Sherloc (09022015). Collection method: clinical testing. Allele origin: germline.
Comment: This sequence change replaces isoleucine, which is neutral and non-polar, with methionine, which is neutral and non-polar, at codon 46 of the ADAM9 protein (p.Ile46Met). This variant is present in population databases (rs769540240, gnomAD 0.003%). This variant has not been reported in the literature in individuals affected with ADAM9-related conditions. Algorithms developed to predict the effect of missense changes on protein structure and function are either unavailable or do not agree on the potential impact of this missense change (SIFT: "Deleterious"; PolyPhen-2: "Possibly Damaging"; Align-GVGD: "Class C0"). In summary, the available evidence is currently insufficient to determine the role of this variant in disease. Therefore, it has been classified as a Variant of Uncertain Significance.

NM_003816.3(ADAM9):c.138A>G (p.Ile46Met)

Gene: ADAM9 (ADAM metallopeptidase domain 9; plus strand). Cytogenetic location: 8p11.22.
Variant type: single nucleotide variant.
Coding change: c.138A>G on transcript NM_003816.3 (MANE Select); coding-DNA position 138, A replaced by G.
Protein change: p.Ile46Met; replaces isoleucine 46 with methionine.
Molecular consequence: missense variant. On other transcripts: non-coding transcript variant (3).
Genome position (GRCh38, 1-based): chr8:39,007,926, A>G. VCF-style: chr8-39007926-A-G. GRCh37 (hg19) VCF-style: chr8-38865445-A-G.
Other names: short protein forms I46M.
Identifiers: ClinVar variation 1990393 (VCV001990393.4), dbSNP rs769540240, ClinGen allele CA4721219.